The following is an entry in ClinVar:

ClinVar aggregate classification (germline): Uncertain significance. Review status: criteria provided, multiple submitters, no conflicts (2 of 4 stars). 3 submissions from 2 submitters: Uncertain significance (3). Last evaluated 2025-01-13.

Conditions:
Hereditary hyperferritinemia with congenital cataracts. Also called: Hereditary hyperferritinemia cataract syndrome; Bonneau-Beaumont syndrome; HYPERFERRITINEMIA WITH OR WITHOUT CATARACT. Identifiers: Orphanet 163, MedGen C1833213, MONDO:0010952, OMIM 600886.
Neuroferritinopathy (NBIA3). Also called: NEURODEGENERATION WITH BRAIN IRON ACCUMULATION 3; BASAL GANGLIA DISEASE, ADULT-ONSET. Identifiers: Orphanet 157846, MedGen C1853578, MONDO:0011638, OMIM 606159.

Submissions (3):

Labcorp Genetics (formerly Invitae), Labcorp
Classification: Uncertain significance for Neuroferritinopathy; Hereditary hyperferritinemia with congenital cataracts. Last evaluated: 2025-01-13. Review status: criteria provided, single submitter. Criteria: Invitae Variant Classification Sherloc (09022015). Collection method: clinical testing. Allele origin: germline.
Comment: This variant occurs in a non-coding region of the FTL gene. It does not change the encoded amino acid sequence of the FTL protein. This variant is not present in population databases (gnomAD no frequency). This variant has not been reported in the literature in individuals affected with FTL-related conditions. ClinVar contains an entry for this variant (Variation ID: 894089). In summary, the available evidence is currently insufficient to determine the role of this variant in disease. Therefore, it has been classified as a Variant of Uncertain Significance.

Illumina Laboratory Services, Illumina
Classification: Uncertain significance for Neuroferritinopathy. Last evaluated: 2017-04-27. Review status: criteria provided, single submitter. Criteria: ICSL Variant Classification Criteria 13 December 2019. Collection method: clinical testing. Allele origin: germline.

Illumina Laboratory Services, Illumina
Classification: Uncertain significance for Hereditary hyperferritinemia with congenital cataracts. Last evaluated: 2017-04-27. Review status: criteria provided, single submitter. Criteria: ICSL Variant Classification Criteria 13 December 2019. Collection method: clinical testing. Allele origin: germline.

NM_000146.4(FTL):c.-186C>A

Gene: FTL (ferritin light chain; plus strand). Cytogenetic location: 19q13.33.
Variant type: single nucleotide variant.
Coding change: c.-186C>A on transcript NM_000146.4 (MANE Select); 186 bases upstream of the start codon, C replaced by A.
Molecular consequence: 5 prime UTR variant.
Genome position (GRCh38, 1-based): chr19:48,965,322, C>A. VCF-style: chr19-48965322-C-A. GRCh37 (hg19) VCF-style: chr19-49468579-C-A.
Identifiers: ClinVar variation 894089 (VCV000894089.6), dbSNP rs981348025, ClinGen allele CA1139666526.